The following is an entry in ClinVar:

ClinVar aggregate classification (germline): Pathogenic (1 of 4 stars; one submission).

Conditions:
Autoimmune lymphoproliferative syndrome type 1. Also called: AUTOIMMUNE LYMPHOPROLIFERATIVE SYNDROME, TYPE I, AUTOSOMAL DOMINANT. Identifiers: Orphanet 3261, MedGen C2717884, MONDO:0011158, OMIM 601859.

Submission:

Labcorp Genetics (formerly Invitae), Labcorp
Classification: Pathogenic for Autoimmune lymphoproliferative syndrome. Last evaluated: 2024-01-22. Review status: criteria provided, single submitter. Criteria: Invitae Variant Classification Sherloc (09022015). Collection method: clinical testing. Allele origin: germline.
Comment: This sequence change affects an acceptor splice site in intron 3 of the FAS gene. RNA analysis indicates that disruption of this splice site induces altered splicing and may result in an absent or disrupted protein product. This variant is not present in population databases (gnomAD no frequency). Disruption of this splice site has been observed in individual(s) with clinical features of autoimmune lymphoproliferative syndrome (PMID: 9533447, 17999750). ClinVar contains an entry for this variant (Variation ID: 2136912). Studies have shown that disruption of this splice site alters FAS gene expression (PMID: 9533447, 17999750). Studies have shown that disruption of this splice site results in skipping of exon 4 and introduces a premature termination codon (PMID: 9533447). The resulting mRNA is expected to undergo nonsense-mediated decay. For these reasons, this variant has been classified as Pathogenic.

Literature cited by the submitters: PubMed 9533447; PubMed 17999750.

NM_000043.6(FAS):c.335-2A>G

Gene: FAS (Fas cell surface death receptor; plus strand). Cytogenetic location: 10q23.31.
Variant type: single nucleotide variant.
Coding change: c.335-2A>G on transcript NM_000043.6 (MANE Select); the canonical splice acceptor site of the intron before coding-DNA position 335, A replaced by G.
Molecular consequence: splice acceptor variant.
Genome position (GRCh38, 1-based): chr10:89,008,887, A>G. VCF-style: chr10-89008887-A-G. GRCh37 (hg19) VCF-style: chr10-90768644-A-G.
Other names: c.335-2A>G (NM_152872.4, NM_001320619.2, NM_152871.4); c.380-2A>G (NM_001410956.1).
Identifiers: ClinVar variation 2136912 (VCV002136912.4), dbSNP rs2495121485, ClinGen allele CA377508506.